The following is an entry in ClinVar:

ClinVar aggregate classification (germline): Likely benign (1 of 4 stars; one submission).

Conditions:
SCNN1B-related disorder. Also called: SCNN1B-related condition.

gnomAD v4.1: 1 of 1,614,100 alleles (0.000062%); highest among the groups gnomAD compares: Non-Finnish European, 0.000085%; no homozygotes.

Submission:

PreventionGenetics, part of Exact Sciences
Classification: Likely benign for SCNN1B-related condition. Last evaluated: 2026-06-08. Review status: criteria provided, single submitter. Criteria: ACMG Guidelines, 2015. Collection method: clinical testing. Allele origin: germline.
Comment: This variant is classified as likely benign based on ACMG/AMP sequence variant interpretation guidelines (Richards et al. 2015 PMID: 25741868, with internal and published modifications).

NM_000336.3(SCNN1B):c.450G>A (p.Leu150=)

Gene: SCNN1B (sodium channel epithelial 1 subunit beta; plus strand). Cytogenetic location: 16p12.2.
Variant type: single nucleotide variant.
Coding change: c.450G>A on transcript NM_000336.3 (MANE Select); coding-DNA position 450, G replaced by A.
Protein change: p.Leu150=; no amino-acid change (leucine 150 retained).
Molecular consequence: synonymous variant.
Genome position (GRCh38, 1-based): chr16:23,352,939, G>A. VCF-style: chr16-23352939-G-A. GRCh37 (hg19) VCF-style: chr16-23364260-G-A.
Other names: c.450G>A, p.Leu150= (NM_001410900.1).
Identifiers: ClinVar variation 4985762 (VCV004985762.1).
Genomic context (GRCh38, chr16:23,352,939, plus strand): 5'-GCTAAGCCATGCCAATGCCACCAGGAACCTGAACTTCTCCATCTGGAACCACACACCCCT[G>A]GTCCTTATTGATGAACGGAACCCCCACCACCCCATGGTCCTTGATCTCTTTGGAGACAAC-3'
Protein context (NP_000327.2, residues 140-160): LNFSIWNHTP[Leu150=]VLIDERNPHH